The following is an entry in ClinVar:

NM_133372.3(FNIP1):c.939C>T (p.Leu313=)

Gene: FNIP1 (folliculin interacting protein 1; minus strand). Cytogenetic location: 5q31.1.
Variant type: single nucleotide variant.
Coding change: c.939C>T on transcript NM_133372.3 (MANE Select); coding-DNA position 939, C replaced by T.
Protein change: p.Leu313=; no amino-acid change (leucine 313 retained).
Molecular consequence: synonymous variant.
Genome position (GRCh38, 1-based): chr5:131,704,242, G>A on the plus strand (C>T on the coding strand, the complement: FNIP1 is on the minus strand). VCF-style: chr5-131704242-G-A. GRCh37 (hg19) VCF-style: chr5-131039935-G-A.
Other names: c.855C>T, p.Leu285= (NM_001008738.3); c.939C>T, p.Leu313= (NM_001346113.2); c.804C>T, p.Leu268= (NM_001346114.2).
Identifiers: ClinVar variation 2960345 (VCV002960345.1), dbSNP rs766188603, ClinGen allele CA3400769.

ClinVar aggregate classification (germline): Uncertain significance (1 of 4 stars; one submission).

Allele frequency attached by ClinVar (database versions not stated): gnomAD exomes below 0.00001; ExAC 0.00001; gnomAD 0.00003; TOPMed 0.00003.
gnomAD v4.1: 12 of 1,612,128 alleles (0.00074%); highest among the groups gnomAD compares: African/African-American, 0.011%; no homozygotes.

Submission:

Labcorp Genetics (formerly Invitae), Labcorp
Classification: Uncertain significance. Last evaluated: 2023-08-22. Review status: criteria provided, single submitter. Criteria: Invitae Variant Classification Sherloc (09022015). Collection method: clinical testing. Allele origin: germline.
Comment: The frequency data for this variant in the population databases is considered unreliable, as metrics indicate poor data quality at this position in the gnomAD database. In summary, the available evidence is currently insufficient to determine the role of this variant in disease. Therefore, it has been classified as a Variant of Uncertain Significance. Algorithms developed to predict the effect of sequence changes on RNA splicing suggest that this variant may create or strengthen a splice site. This variant has not been reported in the literature in individuals affected with FNIP1-related conditions. This sequence change affects codon 313 of the FNIP1 mRNA. It is a 'silent' change, meaning that it does not change the encoded amino acid sequence of the FNIP1 protein.